The following is an entry in ClinVar:

NM_015021.3(ZNF292):c.3724del (p.Gln1242fs)

Gene: ZNF292 (zinc finger protein 292; plus strand). Cytogenetic location: 6q14.3.
Variant type: Deletion.
Coding change: c.3724del on transcript NM_015021.3 (MANE Select); coding-DNA position 3724, one base deleted (C; older notation c.3724delC).
Protein change: p.Gln1242fs; shifts the reading frame from glutamine 1242.
Molecular consequence: frameshift variant.
Genome position (GRCh38, 1-based): chr6:87,257,353, C deleted. VCF-style (leftmost placement, unchanged base first): chr6-87257352-AC-A. GRCh37 (hg19) VCF-style: chr6-87967070-AC-A.
Other names: c.3742delC (NM_015021.2); c.3304del, p.Gln1102fs (NM_001351444.2); c.3724delC (NM_015021.2); short protein forms Q1102fs, Q1242fs.
Identifiers: ClinVar variation 982162 (VCV000982162.7), dbSNP rs1775285095, ClinGen allele CA1139659729.

ClinVar aggregate classification (germline): Pathogenic. Review status: criteria provided, single submitter (1 of 4 stars). 3 submissions from 3 submitters: Pathogenic (1). 2 of the submissions do not count toward it. Last evaluated 2020-06-19.

Conditions:
Inborn genetic diseases. Identifiers: MedGen C0950123, MeSH D030342.
Intellectual developmental disorder, autosomal dominant 64. Also called: MENTAL RETARDATION, AUTOSOMAL DOMINANT 64. Identifiers: MedGen C5543067, MONDO:0030934, OMIM 619188.
Neurodevelopmental disorder. Identifiers: MedGen C1535926, MeSH D065886, MONDO:0700092.

Submissions (3):

Ambry Genetics
Classification: Pathogenic for Inborn genetic diseases. Last evaluated: 2020-06-19. Review status: criteria provided, single submitter. Criteria: Ambry Variant Classification Scheme 2023. Collection method: clinical testing. Allele origin: germline.
Comment: The alteration results in a premature stop codon: _x000D_ _x000D_ The c.3724delC (p.Q1242Kfs*5) alteration, located in coding exon 8 of the ZNF292 gene, results from a deletion of one nucleotide at position 3724, causing a translational frameshift with a predicted alternate stop codon after 5 amino acids. Frameshifts are typically deleterious in nature; however, this frameshift occurs at the 3' terminus of ZNF292, is not expected to trigger nonsense-mediated mRNA decay, and a truncated mutant protein could still be expressed (Maquat, 2004). This alteration impacts the last 1482 amino acids of the protein and the exact functional impact of these altered amino acids is unknown at this time; however, this alteration and additional truncating alterations downstream of this alteration have been reported in the literature as disease-causing (Mirzaa, 2020) . The alteration is not observed in population databases: _x000D_ _x000D_ Based on data from the Genome Aggregation Database (gnomAD), the ZNF292 c.3724delC alteration was not observed, with coverage at this position. The alteration has been observed in affected individuals:_x000D_ _x000D_ This alteration was reported in a patient with a neurodevelopmental disorder (Mirzaa, 2020). Based on the available evidence, this alteration is classified as pathogenic.

OMIM
Classification: Pathogenic for INTELLECTUAL DEVELOPMENTAL DISORDER, AUTOSOMAL DOMINANT 64. Last evaluated: 2021-02-20. Review status: no assertion criteria provided. Collection method: literature only. Allele origin: germline. Not counted in ClinVar's aggregate classification.

University of Washington Center for Mendelian Genomics, University of Washington
Classification: Likely pathogenic for Neurodevelopmental disorder. Review status: no assertion criteria provided. Collection method: research. Allele origin: inherited. Affected: yes. Not counted in ClinVar's aggregate classification.

Literature cited by the submitters: PubMed 31723249 (cited by 3 submitters).